The following is an entry in ClinVar:

ClinVar aggregate classification (germline): Uncertain significance (1 of 4 stars; one submission).

Submission:

Labcorp Genetics (formerly Invitae), Labcorp
Classification: Uncertain significance. Last evaluated: 2025-04-22. Review status: criteria provided, single submitter. Criteria: Invitae Variant Classification Sherloc (09022015). Collection method: clinical testing. Allele origin: germline.
Comment: This sequence change falls in intron 26 of the CYFIP2 gene. It does not directly change the encoded amino acid sequence of the CYFIP2 protein. Information on the frequency of this variant in the gnomAD database is not available, as this variant may be reported differently in the database. This variant has not been reported in the literature in individuals affected with CYFIP2-related conditions. ClinVar contains an entry for this variant (Variation ID: 1368016). Experimental studies and prediction algorithms are not available or were not evaluated, and the effect of this variant on mRNA splicing is currently unknown. In summary, the available evidence is currently insufficient to determine the role of this variant in disease. Therefore, it has been classified as a Variant of Uncertain Significance.

NM_001037333.3(CYFIP2):c.3040-11_3040-10delinsAT

Genes: CYFIP2 (cytoplasmic FMR1 interacting protein 2; plus strand), NIPAL4-DT (NIPAL4 divergent transcript; minus strand). Cytogenetic location: 5q33.3.
Variant type: Indel.
Coding change: c.3040-11_3040-10delinsAT on transcript NM_001037333.3 (MANE Select); 11 bases into the intron before coding-DNA position 3040 through 10 bases into the intron before coding-DNA position 3040, CA replaced by AT.
Molecular consequence: intron variant.
Genome position (GRCh38, 1-based): chr5:157,382,579-157,382,580, CA replaced by AT. VCF-style: chr5-157382579-CA-AT. GRCh37 (hg19) VCF-style: chr5-156809587-CA-AT.
Other names: c.3115-11_3115-10delinsAT (NM_001291722.2); c.2962-11_2962-10delinsAT (NM_001291721.2); c.3040-11_3040-10delinsAT (NM_014376.4).
Identifiers: ClinVar variation 1368016 (VCV001368016.6), dbSNP rs2113512318, ClinGen allele CA2573139363.
Genomic context (GRCh38, chr5:157,382,579, plus strand): 5'-TTTTAGGAATGAAAAATCTTCCTGGTTTAAAATGAAAATTGTTTTCTCTTTCTTTACCCC[CA>AT]TCTCTGCAGTCTCAGGAGGAGGTCTGCGATTTGCTCCATGCCGCACCCTTCCAAAACATC-3'